The following is an entry in ClinVar:

NM_004360.3:c.2164+17insA

Gene: CDH1 (cadherin 1; plus strand). Cytogenetic location: 16q22.1.
Variant type: Insertion.
Identifiers: ClinVar variation 182383 (VCV000182383.1).

ClinVar aggregate classification (germline): Benign (1 of 4 stars; one submission).

Conditions:
Hereditary cancer-predisposing syndrome. Also called: Tumor predisposition; Hereditary Cancer Syndrome; Hereditary neoplastic syndrome; Neoplastic Syndromes, Hereditary. Identifiers: Orphanet 140162, MedGen C0027672, MeSH D009386, MONDO:0015356.

Submission:

GeneDx
Classification: Benign for Neoplastic Syndromes, Hereditary. Last evaluated: 2014-04-17. Review status: criteria provided, single submitter. Criteria: GeneDx Variant Classification (06012015). Collection method: clinical testing. Allele origin: germline. Affected: yes.
Comment: The variant is found in COLO-HEREDIC,BR-OV-HEREDIC,HEREDICANCER panel(s).